The following is an entry in ClinVar:

ClinVar aggregate classification (germline): Uncertain significance (1 of 4 stars; one submission).

Conditions:
Brugada syndrome 8 (BRGDA8). Identifiers: Orphanet 130, MedGen C2751083, MONDO:0013148, OMIM 613123.

Submission:

Labcorp Genetics (formerly Invitae), Labcorp
Classification: Uncertain significance for Brugada syndrome 8. Last evaluated: 2022-02-08. Review status: criteria provided, single submitter. Criteria: Invitae Variant Classification Sherloc (09022015). Collection method: clinical testing. Allele origin: germline.
Comment: In summary, the available evidence is currently insufficient to determine the role of this variant in disease. Therefore, it has been classified as a Variant of Uncertain Significance. Advanced modeling of protein sequence and biophysical properties (such as structural, functional, and spatial information, amino acid conservation, physicochemical variation, residue mobility, and thermodynamic stability) performed at Invitae indicates that this missense variant is not expected to disrupt HCN4 protein function. This variant has not been reported in the literature in individuals affected with HCN4-related conditions. This variant is not present in population databases (gnomAD no frequency). This sequence change replaces proline, which is neutral and non-polar, with serine, which is neutral and polar, at codon 955 of the HCN4 protein (p.Pro955Ser).

NM_005477.3(HCN4):c.2863C>T (p.Pro955Ser)

Gene: HCN4 (hyperpolarization activated cyclic nucleotide gated potassium channel 4; minus strand). Cytogenetic location: 15q24.1.
Variant type: single nucleotide variant.
Coding change: c.2863C>T on transcript NM_005477.3 (MANE Select); coding-DNA position 2863, C replaced by T.
Protein change: p.Pro955Ser; replaces proline 955 with serine.
Molecular consequence: missense variant.
Genome position (GRCh38, 1-based): chr15:73,323,230, G>A on the plus strand (C>T on the coding strand, the complement: HCN4 is on the minus strand). VCF-style: chr15-73323230-G-A. GRCh37 (hg19) VCF-style: chr15-73615571-G-A.
Other names: short protein forms P955S.
Identifiers: ClinVar variation 2074186 (VCV002074186.4), dbSNP rs764646543, ClinGen allele CA7648938.
Genomic context (GRCh38, chr15:73,323,230, plus strand): 5'-GCTGCCCGGGGCTAGATGACGGGGATCTGGATGAGGGTGGGGGTGGCAGGAAGTGCTCCG[G>A]GAGTCCCAGGCCTCCCCGGGCCCCGGGTGGCGCGGGAGATGGCTGGGCAGCCTGCGGGGA-3'
Protein context (NP_005468.1, residues 945-965): PPGARGGLGL[Pro955Ser]EHFLPPPPSS